The following is an entry in ClinVar:

NM_001048174.2(MUTYH):c.1073A>C (p.Gln358Pro)

Gene: MUTYH (mutY DNA glycosylase; minus strand). Cytogenetic location: 1p34.1.
Variant type: single nucleotide variant.
Coding change: c.1073A>C on transcript NM_001048174.2 (MANE Select); coding-DNA position 1073, A replaced by C.
Protein change: p.Gln358Pro; replaces glutamine 358 with proline.
Molecular consequence: missense variant. On other transcripts: non-coding transcript variant (7).
Genome position (GRCh38, 1-based): chr1:45,331,690, T>G on the plus strand (A>C on the coding strand, the complement: MUTYH is on the minus strand). VCF-style: chr1-45331690-T-G. GRCh37 (hg19) VCF-style: chr1-45797362-T-G.
Other names: c.797A>C, p.Gln266Pro (NM_001293192.2, NM_001293196.2, NM_001407091.1); c.1073A>C, p.Gln358Pro (NM_001293195.2, NM_001407070.1, NM_001407073.1 and 6 more transcripts); c.728A>C, p.Gln243Pro (NM_001350650.2, NM_001350651.2, NM_001407082.1); c.1106A>C, p.Gln369Pro (NM_001407069.1, NM_001293191.2, NM_001407077.1); c.1076A>C, p.Gln359Pro (NM_001407071.1, NM_001048172.2, NM_001407078.1 and 1 more transcripts); c.1157A>C, p.Gln386Pro (NM_001128425.2); c.1118A>C, p.Gln373Pro (NM_001293190.2); c.989A>C, p.Gln330Pro (NM_001407075.1); and 5 more; short protein forms Q358P, Q365P, Q266P, Q372P, Q330P, Q344P, Q345P, Q373P.
Identifiers: ClinVar variation 4113064 (VCV004113064.1).

ClinVar aggregate classification (germline): Uncertain significance (1 of 4 stars; one submission).

Conditions:
Hereditary cancer-predisposing syndrome. Also called: Tumor predisposition; Neoplastic Syndromes, Hereditary; Hereditary neoplastic syndrome; Hereditary Cancer Syndrome. Identifiers: Orphanet 140162, MedGen C0027672, MeSH D009386, MONDO:0015356.

Submission:

Ambry Genetics
Classification: Uncertain significance for Hereditary cancer-predisposing syndrome. Last evaluated: 2025-08-27. Review status: criteria provided, single submitter. Criteria: Ambry Variant Classification Scheme 2023. Collection method: clinical testing. Allele origin: germline.
Comment: The p.Q386P variant (also known as c.1157A>C), located in coding exon 12 of the MUTYH gene, results from an A to C substitution at nucleotide position 1157. The glutamine at codon 386 is replaced by proline, an amino acid with similar properties. This amino acid position is conserved. In addition, the in silico prediction for this alteration is inconclusive. Based on the available evidence, the clinical significance of this variant remains unclear.